The following is an entry in ClinVar:

ClinVar aggregate classification (germline): Likely pathogenic (1 of 4 stars; one submission).

Conditions:
Hereditary cancer-predisposing syndrome. Also called: Tumor predisposition; Hereditary Cancer Syndrome; Hereditary neoplastic syndrome; Neoplastic Syndromes, Hereditary. Identifiers: Orphanet 140162, MedGen C0027672, MeSH D009386, MONDO:0015356.

Submission:

Ambry Genetics
Classification: Likely pathogenic for Hereditary cancer-predisposing syndrome. Last evaluated: 2024-04-26. Review status: criteria provided, single submitter. Criteria: Ambry Variant Classification Scheme 2023. Collection method: clinical testing. Allele origin: germline.
Comment: The c.23+2_23+10delTGAGCGGGG intronic variant results from a deletion of 9 nucleotides between positions 23+2 and 23+10 and involves the canonical splice donor site after coding exon 1 of the PMS2 gene. The predicted resulting transcript occurs in the 5' end ofthe PMS2 gene. As such, this alteration may escape nonsense-mediated mRNAdecay and/or be prone to rescue by reinitiation (Rivas et al. Science. 2015 May 8;348(6235):666-9; Lindeboom et al. Nat Genet. 2016 Oct;48(10):1112-8; Rhee et al. Sci Rep. 2017 May 10;7(1):1653). The exact functional effect of this alteration is unknown; however, the impacted region is critical for protein function (Ambry internal data). The nucleotide positions at this canonical donor site are highly conserved in available vertebrate species. This variant is considered to be rare based on population cohorts in the Genome Aggregation Database (gnomAD). Based on the majority of available evidence to date, this variant is likely to be pathogenic.

NM_000535.7(PMS2):c.23+2_23+10del

Gene: PMS2 (PMS1 homolog 2, mismatch repair system component; minus strand). Cytogenetic location: 7p22.1.
Variant type: Deletion.
Coding change: c.23+2_23+10del on transcript NM_000535.7 (MANE Select); the canonical splice donor site of the intron after coding-DNA position 23 through 10 bases into the intron after coding-DNA position 23, 9 bases deleted (TGAGCGGGG; older notation c.23+2_23+10delTGAGCGGGG).
Molecular consequence: splice donor variant. On other transcripts: 5 prime UTR variant (8).
Genome position (GRCh38, 1-based): chr7:6,008,987-6,008,995, CCCCGCTCA deleted on the plus strand (TGAGCGGGG on the coding strand, the reverse complement: PMS2 is on the minus strand); deleting any 9 consecutive bases within chr7:6,008,987-6,008,997 gives the same sequence; the c. name uses the placement nearest the transcript's 3' end. VCF-style (leftmost placement, unchanged base first): chr7-6008986-GCCCCGCTCA-G. GRCh37 (hg19) VCF-style: chr7-6048617-GCCCCGCTCA-G.
Other names: c.-462+2_-462+10del (NM_001406878.1); c.23+2_23+10del (NM_001406868.1, NM_001406866.1, NM_001406885.1 and 11 more transcripts); c.-550+2_-550+10del (NM_001406891.1); c.-516+2_-516+10del (NM_001406899.1); c.-623+2_-623+10del (NM_001406893.1); c.-571_-563del (NM_001322005.2); c.-566_-558del (NM_001322009.2, NM_001406897.1); c.-650_-642del (NM_001406875.1, NM_001406882.1); and 19 more.
Identifiers: ClinVar variation 3308095 (VCV003308095.1).
Genomic context (GRCh38, chr7:6,008,986, plus strand): 5'-AGGTTGGAATGCCGTGGGTCTCAAAGAGGGCGCGCGAGAGGGGACACCGGAAGACTGCGA[GCCCCGCTCA>G]CCTCGAGCTCTCAGCTCGCTCCATGGATGCAACACCCGATCCGCCTCGGGGACTGGGAAA-3'